The following is an entry in ClinVar:

NM_004304.5(ALK):c.3360-1G>A

Gene: ALK (ALK receptor tyrosine kinase; minus strand). Cytogenetic location: 2p23.2.
Variant type: single nucleotide variant.
Coding change: c.3360-1G>A on transcript NM_004304.5 (MANE Select); the canonical splice acceptor site of the intron before coding-DNA position 3360, G replaced by A.
Molecular consequence: splice acceptor variant.
Genome position (GRCh38, 1-based): chr2:29,222,608, C>T on the plus strand (G>A on the coding strand, the complement: ALK is on the minus strand). VCF-style: chr2-29222608-C-T. GRCh37 (hg19) VCF-style: chr2-29445474-C-T.
Other names: c.156-1G>A (NM_001353765.2).
Identifiers: ClinVar variation 1351397 (VCV001351397.9), dbSNP rs1573123877, ClinGen allele CA346464400.

ClinVar aggregate classification (germline): Uncertain significance (1 of 4 stars; one submission).

Conditions:
Neuroblastoma, susceptibility to, 3. Also called: ALK-Related Neuroblastic Tumor Susceptibility. Identifiers: Orphanet 635, MedGen C2751681, MONDO:0013083, OMIM 613014.

Submissions (2):

Labcorp Genetics (formerly Invitae), Labcorp
Classification: Uncertain significance for Neuroblastoma, susceptibility to, 3. Last evaluated: 2021-07-03. Review status: criteria provided, single submitter. Criteria: Invitae Variant Classification Sherloc (09022015). Collection method: clinical testing. Allele origin: germline.
Comment: In summary, the available evidence is currently insufficient to determine the role of this variant in disease. Therefore, it has been classified as a Variant of Uncertain Significance. Algorithms developed to predict the effect of sequence changes on RNA splicing suggest that this variant may disrupt the consensus splice site, but this prediction has not been confirmed by published transcriptional studies. This variant has not been reported in the literature in individuals with ALK-related conditions. This variant is not present in population databases (ExAC no frequency). This sequence change affects an acceptor splice site in intron 20 of the ALK gene. It is expected to disrupt RNA splicing. Variants that disrupt the donor or acceptor splice site typically lead to a loss of protein function (PMID: 16199547), however the current clinical and genetic evidence is not sufficient to establish whether loss-of-function variants in ALK cause disease.

Dr. Peter K. Rogan Lab, Western University
No classification provided (evidence only). Condition: Ovarian serous cystadenocarcinoma. Review status: no classification provided. Collection method: in vitro. Allele origin: not applicable. Functional consequence: retained intron. Not counted in ClinVar's aggregate classification.

Literature cited by the submitters: PubMed 16199547 (cited by Labcorp Genetics (formerly Invitae), Labcorp).